The following is an entry in ClinVar:

NM_000432.4(MYL2):c.279G>A (p.Ala93=)

Gene: MYL2 (myosin light chain 2; minus strand). Cytogenetic location: 12q24.11.
Variant type: single nucleotide variant.
Coding change: c.279G>A on transcript NM_000432.4 (MANE Select); coding-DNA position 279, G replaced by A.
Protein change: p.Ala93=; no amino-acid change (alanine 93 retained).
Molecular consequence: synonymous variant.
Genome position (GRCh38, 1-based): chr12:110,913,320, C>T on the plus strand (G>A on the coding strand, the complement: MYL2 is on the minus strand). VCF-style: chr12-110913320-C-T. GRCh37 (hg19) VCF-style: chr12-111351124-C-T.
Other names: p.A93A:GCG>GCA; p.Ala93=.
Identifiers: ClinVar variation 138399 (VCV000138399.32), dbSNP rs28645088, ClinGen allele CA010036.

ClinVar aggregate classification (germline): Benign/Likely benign. Review status: criteria provided, multiple submitters, no conflicts (2 of 4 stars). 13 submissions from 13 submitters: Benign (7); Likely benign (5). 1 of the submissions does not count toward it. Last evaluated 2026-02-02.

Conditions:
Cardiovascular phenotype. Identifiers: MedGen CN230736.
Cardiomyopathy (CMYO). Also called: Cardiomyopathies. Identifiers: Orphanet 167848, MedGen C0878544, MONDO:0004994, HP:0001638. Inheritance: Various modes of inheritance.
Hypertrophic cardiomyopathy 10. Also called: CARDIOMYOPATHY, HYPERTROPHIC, MID-LEFT VENTRICULAR CHAMBER TYPE, 2; MYL2-Related Familial Hypertrophic Cardiomyopathy. Identifiers: MedGen C1834460, MONDO:0012112, OMIM 608758.

Allele frequency attached by ClinVar (database versions not stated): gnomAD exomes 0.00015 and 0.00026; ExAC 0.00035; ESP Exome Variant Server 0.00085; 1000 Genomes Project 30x 0.00094; 1000 Genomes Project 0.00100; TOPMed 0.00115; gnomAD 0.00122 and 0.00131.
gnomAD v4.1: 408 of 1,614,188 alleles (0.025%); highest among the groups gnomAD compares: African/African-American, 0.46%; no homozygotes.

Submissions (13):

Labcorp Genetics (formerly Invitae), Labcorp
Classification: Benign for Hypertrophic cardiomyopathy 10. Last evaluated: 2026-02-02. Review status: criteria provided, single submitter. Criteria: Invitae Variant Classification Sherloc (09022015). Collection method: clinical testing. Allele origin: germline.

ARUP Laboratories, Molecular Genetics and Genomics, ARUP Laboratories
Classification: Likely benign. Last evaluated: 2025-05-20. Review status: criteria provided, single submitter. Criteria: ARUP Molecular Germline Variant Investigation Process 2024. Collection method: clinical testing. Allele origin: germline.

Mayo Clinic Laboratories, Mayo Clinic
Classification: Likely benign. Last evaluated: 2025-05-02. Review status: criteria provided, single submitter. Criteria: ACMG Guidelines, 2015. Collection method: clinical testing. Allele origin: germline. Observed: 4 variant alleles.
Comment: BS1, BP4, BP7

Molecular Diagnostic Laboratory for Inherited Cardiovascular Disease, Montreal Heart Institute
Classification: Benign. Last evaluated: 2025-04-09. Review status: criteria provided, single submitter. Criteria: ACMG Guidelines, 2015. Collection method: clinical testing. Allele origin: germline. Affected: no.

Blueprint Genetics
Classification: Likely benign. Last evaluated: 2024-02-12. Review status: criteria provided, single submitter. Criteria: ACMG Guidelines, 2015. Collection method: clinical testing. Allele origin: germline.

CHEO Genetics Diagnostic Laboratory, Children's Hospital of Eastern Ontario
Classification: Benign for Cardiomyopathy. Last evaluated: 2023-01-20. Review status: criteria provided, single submitter. Criteria: ACMG Guidelines, 2015. Collection method: clinical testing. Allele origin: germline. Study: Canadian Open Genetics Repository.

Women's Health and Genetics/Laboratory Corporation of America, LabCorp
Classification: Benign. Last evaluated: 2021-01-28. Review status: criteria provided, single submitter. Criteria: LabCorp Variant Classification Summary - May 2015. Collection method: clinical testing. Allele origin: germline.

Color Diagnostics, LLC DBA Color Health
Classification: Benign for Cardiomyopathy. Last evaluated: 2018-11-27. Review status: criteria provided, single submitter. Criteria: ACMG Guidelines, 2015. Collection method: clinical testing. Allele origin: germline.

Laboratory for Molecular Medicine, Mass General Brigham Personalized Medicine
Classification: Likely benign. Last evaluated: 2015-10-31. Review status: criteria provided, single submitter. Criteria: LMM Criteria. Collection method: clinical testing. Allele origin: germline. Observed: 2 variant alleles.
Comment: p.Ala93Ala in exon 5 of MYL2: This variant is not expected to have clinical sign ificance because it does not alter an amino acid residue and is not located with in the splice consensus sequence. It has been identified in 0.4% (40/10404) of A frican chromosomes by the Exome Aggregation Consortium (ExAC; dbSNP rs28645088).

Clinical Genetics DNA and cytogenetics Diagnostics Lab, Erasmus MC, Erasmus Medical Center
Classification: Benign for Hypertrophic cardiomyopathy 10. Last evaluated: 2015-09-21. Review status: criteria provided, single submitter. Criteria: ACGS Guidelines, 2013. Collection method: clinical testing. Allele origin: germline. Affected: yes. Study: VKGL Data-share Consensus.

Ambry Genetics
Classification: Likely benign for Cardiovascular phenotype. Last evaluated: 2015-06-29. Review status: criteria provided, single submitter. Criteria: Ambry Variant Classification Scheme 2023. Collection method: clinical testing. Allele origin: germline.

GeneDx
Classification: Benign. Last evaluated: 2013-08-19. Review status: criteria provided, single submitter. Criteria: GeneDx Variant Classification (06012015). Collection method: clinical testing. Allele origin: germline. Affected: yes.
Comment: This variant is considered likely benign or benign based on one or more of the following criteria: it is a conservative change, it occurs at a poorly conserved position in the protein, it is predicted to be benign by multiple in silico algorithms, and/or has population frequency not consistent with disease.

Clinical Genetics, Academic Medical Center
Classification: Benign. Review status: no assertion criteria provided. Collection method: clinical testing. Allele origin: germline. Affected: yes. Study: VKGL Data-share Consensus. Not counted in ClinVar's aggregate classification.